The following is an entry in ClinVar:

ClinVar aggregate classification (germline): Uncertain significance (1 of 4 stars; one submission).

Conditions:
Intellectual developmental disorder, X-linked, syndromic 14. Also called: Syndromic X-linked intellectual disability 14. Identifiers: Orphanet 776, MedGen C1970822, MONDO:0010398, OMIM 300676.

Submission:

Labcorp Genetics (formerly Invitae), Labcorp
Classification: Uncertain significance for Intellectual developmental disorder, X-linked, syndromic 14. Last evaluated: 2025-02-13. Review status: criteria provided, single submitter. Criteria: Invitae Variant Classification Sherloc (09022015). Collection method: clinical testing. Allele origin: germline.
Comment: This variant, c.674_676del, results in the deletion of 1 amino acid(s) of the UPF3B protein (p.Arg225del), but otherwise preserves the integrity of the reading frame. This variant is not present in population databases (gnomAD no frequency). This variant has not been reported in the literature in individuals affected with UPF3B-related conditions. In summary, the available evidence is currently insufficient to determine the role of this variant in disease. Therefore, it has been classified as a Variant of Uncertain Significance.

NM_080632.3(UPF3B):c.674_676del (p.Arg225del)

Gene: UPF3B (UPF3B regulator of nonsense mediated mRNA decay; minus strand). Cytogenetic location: Xq24.
Variant type: Deletion.
Coding change: c.674_676del on transcript NM_080632.3 (MANE Select); coding-DNA positions 674 to 676, 3 bases deleted (GAA; older notation c.674_676delGAA).
Protein change: p.Arg225del; deletes arginine 225.
Molecular consequence: inframe deletion.
Genome position (GRCh38, 1-based): chrX:119,841,207-119,841,209, TTC deleted on the plus strand (GAA on the coding strand, the reverse complement: UPF3B is on the minus strand); deleting any 3 consecutive bases within chrX:119,841,207-119,841,211 gives the same sequence; the c. name uses the placement nearest the transcript's 3' end. VCF-style (leftmost placement, unchanged base first): chrX-119841206-TTTC-T. GRCh37 (hg19) VCF-style: chrX-118975169-TTTC-T.
Other names: c.674_676del, p.Arg225del (NM_023010.4); short protein forms R225del.
Identifiers: ClinVar variation 4712974 (VCV004712974.1).
Genomic context (GRCh38, chrX:119,841,206, plus strand): 5'-TCTTTCCTTTTTCGTTTCTCTTCTTCTTTCCATTTCCTCCTCTCTTCTTCTCTTTGTCTT[TTTC>T]TTTCTATTTCTCTCCTCCTCCTTTCTTCTCTCTTTTCTTCTCTCATTCTCTAGAAAGAAA-3'